The following is an entry in ClinVar:

ClinVar aggregate classification (germline): Conflicting classifications of pathogenicity. Review status: criteria provided, conflicting classifications (1 of 4 stars). 2 submissions from 2 submitters: Uncertain significance (1); Likely benign (1). Last evaluated 2025-03-05.

Conditions:
COL18A1-related disorder. Also called: COL18A1-related disorders; COL18A1-related condition.

Allele frequency attached by ClinVar (database versions not stated): TOPMed 0.00002; gnomAD 0.00003.
gnomAD v4.1: 67 of 1,550,008 alleles (0.0043%); highest among the groups gnomAD compares: Middle Eastern, 0.017%; no homozygotes.

Submissions (2):

PreventionGenetics, part of Exact Sciences
Classification: Likely benign for COL18A1-related condition. Last evaluated: 2025-03-05. Review status: criteria provided, single submitter. Criteria: ACMG Guidelines, 2015. Collection method: clinical testing. Allele origin: germline.
Comment: This variant is classified as likely benign based on ACMG/AMP sequence variant interpretation guidelines (Richards et al. 2015 PMID: 25741868, with internal and published modifications).

Labcorp Genetics (formerly Invitae), Labcorp
Classification: Uncertain significance. Last evaluated: 2022-02-04. Review status: criteria provided, single submitter. Criteria: Invitae Variant Classification Sherloc (09022015). Collection method: clinical testing. Allele origin: germline.
Comment: This sequence change falls in intron 26 of the COL18A1 gene. It does not directly change the encoded amino acid sequence of the COL18A1 protein. It affects a nucleotide within the consensus splice site. The frequency data for this variant in the population databases is considered unreliable, as metrics indicate poor data quality at this position in the gnomAD database. This variant has not been reported in the literature in individuals affected with COL18A1-related conditions. Variants that disrupt the consensus splice site are a relatively common cause of aberrant splicing (PMID: 17576681, 9536098). Algorithms developed to predict the effect of sequence changes on RNA splicing suggest that this variant is not likely to affect RNA splicing. In summary, the available evidence is currently insufficient to determine the role of this variant in disease. Therefore, it has been classified as a Variant of Uncertain Significance.

Literature cited by the submitters: PubMed 17576681 (cited by Labcorp Genetics (formerly Invitae), Labcorp); PubMed 9536098 (cited by Labcorp Genetics (formerly Invitae), Labcorp).

NM_001379500.1(COL18A1):c.2352+6G>T

Gene: COL18A1 (collagen type XVIII alpha 1 chain; plus strand). Cytogenetic location: 21q22.3.
Variant type: single nucleotide variant.
Coding change: c.2352+6G>T on transcript NM_001379500.1 (MANE Select); 6 bases into the intron after coding-DNA position 2352, G replaced by T.
Molecular consequence: intron variant.
Genome position (GRCh38, 1-based): chr21:45,493,581, G>T. VCF-style: chr21-45493581-G-T. GRCh37 (hg19) VCF-style: chr21-46913495-G-T.
Other names: c.2892+6G>T (NM_030582.3, NM_030582.4); c.3597+6G>T (NM_130444.3).
Identifiers: ClinVar variation 1908444 (VCV001908444.3), dbSNP rs1463771289, ClinGen allele CA512686718.